The following is an entry in ClinVar:

NM_177972.3(TUB):c.338C>T (p.Ala113Val)

Genes: RIC3 (RIC3 acetylcholine receptor chaperone; minus strand), TUB (TUB bipartite transcription factor; plus strand). Cytogenetic location: 11p15.4.
Variant type: single nucleotide variant.
Coding change: c.338C>T on transcript NM_177972.3 (MANE Select); coding-DNA position 338, C replaced by T.
Protein change: p.Ala113Val; replaces alanine 113 with valine.
Molecular consequence: missense variant. On other transcripts: non-coding transcript variant (1).
Genome position (GRCh38, 1-based): chr11:8,094,130, C>T. VCF-style: chr11-8094130-C-T. GRCh37 (hg19) VCF-style: chr11-8115677-C-T.
Other names: c.503C>T, p.Ala168Val (NM_003320.5); short protein forms A168V, A113V.
Identifiers: ClinVar variation 1405861 (VCV001405861.6), dbSNP rs2133853076, ClinGen allele CA379564807.

ClinVar aggregate classification (germline): Uncertain significance (1 of 4 stars; one submission).

gnomAD v4.1: 3 of 1,614,122 alleles (0.00019%); highest among the groups gnomAD compares: South Asian, 0.0011%; no homozygotes.

Submission:

Labcorp Genetics (formerly Invitae), Labcorp
Classification: Uncertain significance. Last evaluated: 2021-11-08. Review status: criteria provided, single submitter. Criteria: Invitae Variant Classification Sherloc (09022015). Collection method: clinical testing. Allele origin: germline.
Comment: Algorithms developed to predict the effect of missense changes on protein structure and function (SIFT, PolyPhen-2, Align-GVGD) all suggest that this variant is likely to be tolerated. This variant has not been reported in the literature in individuals affected with TUB-related conditions. This variant is not present in population databases (gnomAD no frequency). This sequence change replaces alanine, which is neutral and non-polar, with valine, which is neutral and non-polar, at codon 168 of the TUB protein (p.Ala168Val). Algorithms developed to predict the effect of sequence changes on RNA splicing suggest that this variant may create or strengthen a splice site. In summary, the available evidence is currently insufficient to determine the role of this variant in disease. Therefore, it has been classified as a Variant of Uncertain Significance.